The following is an entry in ClinVar:

NM_001384474.1(LOXHD1):c.4376-6G>A

Gene: LOXHD1 (lipoxygenase homology PLAT domains 1; minus strand). Cytogenetic location: 18q21.1.
Variant type: single nucleotide variant.
Coding change: c.4376-6G>A on transcript NM_001384474.1 (MANE Select); 6 bases into the intron before coding-DNA position 4376, G replaced by A.
Molecular consequence: intron variant.
Genome position (GRCh38, 1-based): chr18:46,529,337, C>T on the plus strand (G>A on the coding strand, the complement: LOXHD1 is on the minus strand). VCF-style: chr18-46529337-C-T. GRCh37 (hg19) VCF-style: chr18-44109300-C-T.
Other names: c.1043-6G>A (NM_001145472.3); c.755-6G>A (NM_001308013.2); c.4376-6G>A (NM_144612.7).
Identifiers: ClinVar variation 163906 (VCV000163906.20), dbSNP rs369463541, ClinGen allele CA176623.

ClinVar aggregate classification (germline): Conflicting classifications of pathogenicity. Review status: criteria provided, conflicting classifications (1 of 4 stars). 5 submissions from 5 submitters: Uncertain significance (2); Likely benign (1). 2 of the submissions do not count toward it. Last evaluated 2024-10-08.

Conditions:
LOXHD1-related disorder. Also called: LOXHD1-related condition.
Autosomal recessive nonsyndromic hearing loss 77. Identifiers: Orphanet 90636, MedGen C2746083, MONDO:0013119, OMIM 613079.

Allele frequency attached by ClinVar (database versions not stated): ExAC 0.00005; gnomAD exomes 0.00005 and 0.00009; TOPMed 0.00005; gnomAD 0.00006; ESP Exome Variant Server 0.00022.
gnomAD v4.1: 136 of 1,531,494 alleles (0.0089%); highest among the groups gnomAD compares: Middle Eastern, 0.13%; no homozygotes.

Submissions (5):

Labcorp Genetics (formerly Invitae), Labcorp
Classification: Likely benign. Last evaluated: 2024-10-08. Review status: criteria provided, single submitter. Criteria: Invitae Variant Classification Sherloc (09022015). Collection method: clinical testing. Allele origin: germline.

Illumina Laboratory Services, Illumina
Classification: Uncertain significance for Autosomal recessive nonsyndromic hearing loss 77. Last evaluated: 2018-01-12. Review status: criteria provided, single submitter. Criteria: ICSL Variant Classification Criteria 13 December 2019. Collection method: clinical testing. Allele origin: germline.

Laboratory for Molecular Medicine, Mass General Brigham Personalized Medicine
Classification: Uncertain significance. Last evaluated: 2015-05-22. Review status: criteria provided, single submitter. Criteria: LMM Criteria. Collection method: clinical testing. Allele origin: germline. Observed: 2 variant alleles.
Comment: Variant classified as Uncertain Significance - Favor Benign. It has also been identified in 1/8398 European chromosomes by the Exome Aggregation Consortium (ExAC; dbSNP rs369463541). This variant is located in the 3' splice region. Comp utational tools do not suggest an impact to splicing. In addition, the guanine ( G) nucleotide at position c.4376-6 is not conserved in mammals or evolutionarily distant species and 9 mammals carry an adenine (A), supporting that a change at this position may be tolerated. However, this information is not predictive eno ugh to rule out pathogenicity. In summary, while the clinical significance of th e c.4376-6G>A variant is uncertain, the presence of the variant nucleotide in ot her species and predicted lack of impact on splicing suggest that it is more lik ely to be benign.

Natera, Inc.
Classification: Uncertain significance for Autosomal recessive deafness type 77. Last evaluated: 2020-09-16. Review status: no assertion criteria provided. Collection method: clinical testing. Allele origin: germline. Not counted in ClinVar's aggregate classification.

PreventionGenetics, part of Exact Sciences
Classification: Likely benign for LOXHD1-related condition. Last evaluated: 2019-03-18. Review status: no assertion criteria provided. Collection method: clinical testing. Allele origin: germline. Not counted in ClinVar's aggregate classification.
Comment: This variant is classified as likely benign based on ACMG/AMP sequence variant interpretation guidelines (Richards et al. 2015 PMID: 25741868, with internal and published modifications).